The following is an entry in ClinVar:

ClinVar aggregate classification (germline): Benign/Likely benign. Review status: criteria provided, multiple submitters, no conflicts (2 of 4 stars). 7 submissions from 7 submitters: Benign (4); Likely benign (2). 1 of the submissions does not count toward it. Last evaluated 2026-02-02.

Conditions:
PLEKHG5-related disorder. Also called: PLEKHG5-related condition.
Neuronopathy, distal hereditary motor, autosomal recessive 4. Also called: NEUROPATHY, DISTAL HEREDITARY MOTOR, AUTOSOMAL RECESSIVE 4; Autosomal recessive lower motor neuron disease with childhood onset. Identifiers: Orphanet 206580, MedGen C1970211, MONDO:0012608, OMIM 611067.
Charcot-Marie-Tooth disease recessive intermediate C. Also called: CHARCOT-MARIE-TOOTH NEUROPATHY, RECESSIVE INTERMEDIATE C. Identifiers: Orphanet 369867, MedGen C3809309, MONDO:0014154, OMIM 615376.

Allele frequency attached by ClinVar (database versions not stated): gnomAD exomes 0.00034 and 0.00099; ExAC 0.00129; 1000 Genomes Project 0.00300; 1000 Genomes Project 30x 0.00359; gnomAD 0.00409 and 0.00443; ESP Exome Variant Server 0.00410; TOPMed 0.00459.

Submissions (7):

Labcorp Genetics (formerly Invitae), Labcorp
Classification: Benign for Neuronopathy, distal hereditary motor, autosomal recessive 4; Charcot-Marie-Tooth disease recessive intermediate C. Last evaluated: 2026-02-02. Review status: criteria provided, single submitter. Criteria: Invitae Variant Classification Sherloc (09022015). Collection method: clinical testing. Allele origin: germline.

ARUP Laboratories, Molecular Genetics and Genomics, ARUP Laboratories
Classification: Likely benign. Last evaluated: 2025-05-22. Review status: criteria provided, single submitter. Criteria: ARUP Molecular Germline Variant Investigation Process 2024. Collection method: clinical testing. Allele origin: germline.

Illumina Laboratory Services, Illumina
Classification: Benign for Neuronopathy, distal hereditary motor, autosomal recessive 4. Last evaluated: 2018-01-12. Review status: criteria provided, single submitter. Criteria: ICSL Variant Classification Criteria 13 December 2019. Collection method: clinical testing. Allele origin: germline.
Comment: This variant was observed in the ICSL laboratory as part of a predisposition screen in an ostensibly healthy population. It had not been previously curated by ICSL or reported in the Human Gene Mutation Database (HGMD: prior to June 1st, 2018), and was therefore a candidate for classification through an automated scoring system. Utilizing variant allele frequency, disease prevalence and penetrance estimates, and inheritance mode, an automated score was calculated to assess if this variant is too frequent to cause the disease. Based on the score and internal cut-off values, a variant classified as benign is not then subjected to further curation. The score for this variant resulted in a classification of benign for this disease.

Mayo Clinic Laboratories, Mayo Clinic
Classification: Benign. Last evaluated: 2016-08-18. Review status: criteria provided, single submitter. Criteria: ACMG Guidelines, 2015. Collection method: clinical testing. Allele origin: germline. Observed: 4 variant alleles.

GeneDx
Classification: Benign. Last evaluated: 2016-05-23. Review status: criteria provided, single submitter. Criteria: GeneDx Variant Classification (06012015). Collection method: clinical testing. Allele origin: germline. Affected: yes.
Comment: This variant is considered likely benign or benign based on one or more of the following criteria: it is a conservative change, it occurs at a poorly conserved position in the protein, it is predicted to be benign by multiple in silico algorithms, and/or has population frequency not consistent with disease.

Breakthrough Genomics
Classification: Likely benign. Review status: criteria provided, single submitter. Criteria: ACMG Guidelines, 2015. Collection method: not provided. Allele origin: germline. Inheritance: Autosomal recessive inheritance. Affected: yes.

PreventionGenetics, part of Exact Sciences
Classification: Benign for PLEKHG5-related condition. Last evaluated: 2023-03-09. Review status: no assertion criteria provided. Collection method: clinical testing. Allele origin: germline. Not counted in ClinVar's aggregate classification.
Comment: This variant is classified as benign based on ACMG/AMP sequence variant interpretation guidelines (Richards et al. 2015 PMID: 25741868, with internal and published modifications).

NM_020631.6(PLEKHG5):c.2581C>T (p.Arg861Cys)

Gene: PLEKHG5 (pleckstrin homology and RhoGEF domain containing G5; minus strand). Cytogenetic location: 1p36.31.
Variant type: single nucleotide variant.
Coding change: c.2581C>T on transcript NM_020631.6 (MANE Select); coding-DNA position 2581, C replaced by T.
Protein change: p.Arg861Cys; replaces arginine 861 with cysteine.
Molecular consequence: missense variant.
Genome position (GRCh38, 1-based): chr1:6,468,255, G>A on the plus strand (C>T on the coding strand, the complement: PLEKHG5 is on the minus strand). VCF-style: chr1-6468255-G-A. GRCh37 (hg19) VCF-style: chr1-6528315-G-A.
Other names: p.Arg861Cys; c.2581C>T, p.Arg861Cys (NM_001042665.2, NM_001265594.3, NM_198681.4 and 1 more transcripts); c.2692C>T, p.Arg898Cys (NM_001265592.2, NM_001042663.3); c.2788C>T, p.Arg930Cys (NM_001265593.2); c.2581C>T (NM_020631.5); short protein forms R861C, R930C, R898C.
Identifiers: ClinVar variation 384612 (VCV000384612.27), dbSNP rs148560273, ClinGen allele CA561126.